The following is an entry in ClinVar:

NM_024675.4(PALB2):c.2075A>G (p.Gln692Arg)

Gene: PALB2 (partner and localizer of BRCA2; minus strand). Cytogenetic location: 16p12.2.
Variant type: single nucleotide variant.
Coding change: c.2075A>G on transcript NM_024675.4 (MANE Select); coding-DNA position 2075, A replaced by G.
Protein change: p.Gln692Arg; replaces glutamine 692 with arginine.
Molecular consequence: missense variant.
Genome position (GRCh38, 1-based): chr16:23,630,079, T>C on the plus strand (A>G on the coding strand, the complement: PALB2 is on the minus strand). VCF-style: chr16-23630079-T-C. GRCh37 (hg19) VCF-style: chr16-23641400-T-C.
Other names: short protein forms Q692R.
Identifiers: ClinVar variation 481126 (VCV000481126.8), dbSNP rs1555460499, ClinGen allele CA395126587.

ClinVar aggregate classification (germline): Uncertain significance. Review status: criteria provided, multiple submitters, no conflicts (2 of 4 stars). 2 submissions from 2 submitters: Uncertain significance (2). Last evaluated 2023-11-15.

Conditions:
Familial cancer of breast. Also called: BREAST CANCER, FAMILIAL; Hereditary breast cancer; hereditary breast carcinoma. Identifiers: Orphanet 227535, MedGen C0346153, MONDO:0016419, OMIM 114480. Disease mechanism: loss of function.
Hereditary cancer-predisposing syndrome. Also called: Hereditary Cancer Syndrome; Neoplastic Syndromes, Hereditary; Tumor predisposition; Hereditary neoplastic syndrome. Identifiers: Orphanet 140162, MedGen C0027672, MeSH D009386, MONDO:0015356.

Submissions (2):

Ambry Genetics
Classification: Uncertain significance for Hereditary cancer-predisposing syndrome. Last evaluated: 2023-11-15. Review status: criteria provided, single submitter. Criteria: Ambry Variant Classification Scheme 2023. Collection method: clinical testing. Allele origin: germline.
Comment: The p.Q692R variant (also known as c.2075A>G), located in coding exon 5 of the PALB2 gene, results from an A to G substitution at nucleotide position 2075. The glutamine at codon 692 is replaced by arginine, an amino acid with highly similar properties. This amino acid position is not well conserved in available vertebrate species. In addition, this alteration is predicted to be tolerated by in silico analysis. Since supporting evidence is limited at this time, the clinical significance of this alteration remains unclear.

Labcorp Genetics (formerly Invitae), Labcorp
Classification: Uncertain significance for Familial cancer of breast. Last evaluated: 2023-04-06. Review status: criteria provided, single submitter. Criteria: Invitae Variant Classification Sherloc (09022015). Collection method: clinical testing. Allele origin: germline.
Comment: This variant has not been reported in the literature in individuals affected with PALB2-related conditions. Algorithms developed to predict the effect of missense changes on protein structure and function output the following: SIFT: "Not Available"; PolyPhen-2: "Benign"; Align-GVGD: "Not Available". The arginine amino acid residue is found in multiple mammalian species, which suggests that this missense change does not adversely affect protein function. In summary, the available evidence is currently insufficient to determine the role of this variant in disease. Therefore, it has been classified as a Variant of Uncertain Significance. ClinVar contains an entry for this variant (Variation ID: 481126). This sequence change replaces glutamine, which is neutral and polar, with arginine, which is basic and polar, at codon 692 of the PALB2 protein (p.Gln692Arg). This variant is not present in population databases (gnomAD no frequency).